The following is an entry in ClinVar:

ClinVar aggregate classification (germline): Uncertain significance (1 of 4 stars; one submission).

Conditions:
Familial hemophagocytic lymphohistiocytosis 3 (FHL3). Also called: UNC13D-Related Familial Hemophagocytic Lymphohistiocytosis (UNC13D-fHLH). Identifiers: Orphanet 540, MedGen C1837174, MONDO:0012146, OMIM 608898.

gnomAD v4.1: 14 of 1,594,590 alleles (0.00088%); highest among the groups gnomAD compares: East Asian, 0.0045%; no homozygotes.

Submission:

Labcorp Genetics (formerly Invitae), Labcorp
Classification: Uncertain significance for Familial hemophagocytic lymphohistiocytosis 3. Last evaluated: 2024-10-09. Review status: criteria provided, single submitter. Criteria: Invitae Variant Classification Sherloc (09022015). Collection method: clinical testing. Allele origin: germline.
Comment: This sequence change replaces arginine, which is basic and polar, with histidine, which is basic and polar, at codon 757 of the UNC13D protein (p.Arg757His). The frequency data for this variant in the population databases is considered unreliable, as metrics indicate poor data quality at this position in the gnomAD database. This variant has not been reported in the literature in individuals affected with UNC13D-related conditions. Invitae Evidence Modeling of protein sequence and biophysical properties (such as structural, functional, and spatial information, amino acid conservation, physicochemical variation, residue mobility, and thermodynamic stability) indicates that this missense variant is not expected to disrupt UNC13D protein function with a negative predictive value of 80%. In summary, the available evidence is currently insufficient to determine the role of this variant in disease. Therefore, it has been classified as a Variant of Uncertain Significance.

NM_199242.3(UNC13D):c.2270G>A (p.Arg757His)

Gene: UNC13D (unc-13 homolog D; minus strand). Cytogenetic location: 17q25.1.
Variant type: single nucleotide variant.
Coding change: c.2270G>A on transcript NM_199242.3 (MANE Select); coding-DNA position 2270, G replaced by A.
Protein change: p.Arg757His; replaces arginine 757 with histidine.
Molecular consequence: missense variant.
Genome position (GRCh38, 1-based): chr17:75,834,353, C>T on the plus strand (G>A on the coding strand, the complement: UNC13D is on the minus strand). VCF-style: chr17-75834353-C-T. GRCh37 (hg19) VCF-style: chr17-73830434-C-T.
Other names: short protein forms R757H.
Identifiers: ClinVar variation 3705480 (VCV003705480.2).
Genomic context (GRCh38, chr17:75,834,353, plus strand): 5'-GGATGGGGTGACTGTGCGGTCGGACAAGGTACCTGCTCGGCCAGGGTGCGGACGCCAGTG[C>T]GGATCTCATGGCCCAGCCCGGCCAGCGCGCTCTGCAGCTGGGCATGCAGCGTGTTCTGCA-3'
Protein context (NP_954712.1, residues 747-767): SALAGLGHEI[Arg757His]TGVRTLAEQL